The following is an entry in ClinVar:

NM_177550.5(SLC13A5):c.1156+170T>C

Gene: SLC13A5 (solute carrier family 13 member 5; minus strand). Cytogenetic location: 17p13.1.
Variant type: single nucleotide variant.
Coding change: c.1156+170T>C on transcript NM_177550.5 (MANE Select); 170 bases into the intron after coding-DNA position 1156, T replaced by C.
Molecular consequence: intron variant.
Genome position (GRCh38, 1-based): chr17:6,693,927, A>G on the plus strand (T>C on the coding strand, the complement: SLC13A5 is on the minus strand). VCF-style: chr17-6693927-A-G. GRCh37 (hg19) VCF-style: chr17-6597246-A-G.
Other names: c.1027+170T>C (NM_001284510.2); c.1105+170T>C (NM_001284509.2); c.1156+170T>C (NM_001143838.3).
Identifiers: ClinVar variation 670101 (VCV000670101.2), dbSNP rs58910651, ClinGen allele CA14501497.

ClinVar aggregate classification (germline): Benign. Review status: criteria provided, multiple submitters, no conflicts (2 of 4 stars). 2 submissions from 2 submitters: Benign (2). Last evaluated 2018-06-14.

Allele frequency attached by ClinVar (database versions not stated): gnomAD 0.14166; TOPMed 0.14491; 1000 Genomes Project 0.23183; 1000 Genomes Project 30x 0.22345.
gnomAD v4.1: 21,628 of 152,298 alleles (14%); highest among the groups gnomAD compares: East Asian, 59%; 2,429 homozygotes.

Submissions (2):

GeneDx
Classification: Benign. Last evaluated: 2018-06-14. Review status: criteria provided, single submitter. Criteria: GeneDx Variant Classification (06012015). Collection method: clinical testing. Allele origin: germline. Affected: yes.
Comment: This variant is considered likely benign or benign based on one or more of the following criteria: it is a conservative change, it occurs at a poorly conserved position in the protein, it is predicted to be benign by multiple in silico algorithms, and/or has population frequency not consistent with disease.

Breakthrough Genomics
Classification: Benign. Review status: criteria provided, single submitter. Criteria: ACMG Guidelines, 2015. Collection method: not provided. Allele origin: germline. Inheritance: Autosomal recessive inheritance. Affected: yes.